The following is an entry in ClinVar:

NM_198904.4(GABRG2):c.985G>C (p.Val329Leu)

Gene: GABRG2 (gamma-aminobutyric acid type A receptor subunit gamma2; plus strand). Cytogenetic location: 5q34.
Variant type: single nucleotide variant.
Coding change: c.985G>C on transcript NM_198904.4 (MANE Select); coding-DNA position 985, G replaced by C.
Protein change: p.Val329Leu; replaces valine 329 with leucine.
Molecular consequence: missense variant. On other transcripts: intron variant (1).
Genome position (GRCh38, 1-based): chr5:162,149,170, G>C. VCF-style: chr5-162149170-G-C. GRCh37 (hg19) VCF-style: chr5-161576176-G-C.
Other names: c.919G>C, p.Val307Leu (NM_001375346.1, NM_001375345.1); c.898G>C, p.Val300Leu (NM_001375347.1); c.976G>C, p.Val326Leu (NM_001375339.1); c.982G>C, p.Val328Leu (NM_001375341.1, NM_001375342.1); c.1024G>C, p.Val342Leu (NM_001375344.1); c.985G>C, p.Val329Leu (NM_000816.3); c.1105G>C, p.Val369Leu (NM_001375343.1, NM_198903.2); c.565G>C, p.Val189Leu (NM_001375348.1, NM_001375350.1); and 2 more; short protein forms V234L, V328L, V342L, V369L, V189L, V300L, V326L, V307L.
Identifiers: ClinVar variation 4790315 (VCV004790315.1).

ClinVar aggregate classification (germline): Uncertain significance (1 of 4 stars; one submission).

Conditions:
Febrile seizures, familial, 8 (FEB8). Also called: CONVULSIONS, FAMILIAL FEBRILE, 8. Identifiers: Orphanet 36387, MedGen C1969810, MONDO:0011891, OMIM 607681.
EPILEPSY, CHILDHOOD ABSENCE, SUSCEPTIBILITY TO, 2 (ECA2). Identifiers: Orphanet 64280, MedGen C1843244, OMIM 607681.

gnomAD v4.1: 2 of 1,613,920 alleles (0.00012%); highest among the groups gnomAD compares: Non-Finnish European, 0.000085%; no homozygotes.

Submission:

Labcorp Genetics (formerly Invitae), Labcorp
Classification: Uncertain significance for Febrile seizures, familial, 8; EPILEPSY, CHILDHOOD ABSENCE, SUSCEPTIBILITY TO, 2. Last evaluated: 2025-06-24. Review status: criteria provided, single submitter. Criteria: Invitae Variant Classification Sherloc (09022015). Collection method: clinical testing. Allele origin: germline.
Comment: This sequence change replaces valine, which is neutral and non-polar, with leucine, which is neutral and non-polar, at codon 329 of the GABRG2 protein (p.Val329Leu). This variant is not present in population databases (gnomAD no frequency). This variant has not been reported in the literature in individuals affected with GABRG2-related conditions. Invitae Evidence Modeling of protein sequence and biophysical properties (such as structural, functional, and spatial information, amino acid conservation, physicochemical variation, residue mobility, and thermodynamic stability) indicates that this missense variant is expected to disrupt GABRG2 protein function with a positive predictive value of 95%. In summary, the available evidence is currently insufficient to determine the role of this variant in disease. Therefore, it has been classified as a Variant of Uncertain Significance.